The following is an entry in ClinVar:

NM_001042492.3(NF1):c.2585C>T (p.Thr862Ile)

Gene: NF1 (neurofibromin 1; plus strand). Cytogenetic location: 17q11.2.
Variant type: single nucleotide variant.
Coding change: c.2585C>T on transcript NM_001042492.3 (MANE Select); coding-DNA position 2585, C replaced by T.
Protein change: p.Thr862Ile; replaces threonine 862 with isoleucine.
Molecular consequence: missense variant.
Genome position (GRCh38, 1-based): chr17:31,229,200, C>T. VCF-style: chr17-31229200-C-T. GRCh37 (hg19) VCF-style: chr17-29556218-C-T.
Other names: c.2585C>T, p.Thr862Ile (NM_000267.4); short protein forms T862I.
Identifiers: ClinVar variation 3002205 (VCV003002205.3), dbSNP rs200302954, ClinGen allele CA398984380.

ClinVar aggregate classification (germline): Uncertain significance (1 of 4 stars; one submission).

Conditions:
Neurofibromatosis, type 1 (NF1). Also called: NEUROFIBROMATOSIS, TYPE I, SOMATIC; Neurofibromatosis, type I; Peripheral type neurofibromatosis; VON RECKLINGHAUSEN DISEASE. Identifiers: Orphanet 636, MedGen C0027831, MONDO:0018975, OMIM 162200. Disease mechanism: loss of function.

Submission:

Labcorp Genetics (formerly Invitae), Labcorp
Classification: Uncertain significance for Neurofibromatosis, type 1. Last evaluated: 2023-10-11. Review status: criteria provided, single submitter. Criteria: Invitae Variant Classification Sherloc (09022015). Collection method: clinical testing. Allele origin: germline.
Comment: This sequence change replaces threonine, which is neutral and polar, with isoleucine, which is neutral and non-polar, at codon 862 of the NF1 protein (p.Thr862Ile). This variant is not present in population databases (gnomAD no frequency). This variant has not been reported in the literature in individuals affected with NF1-related conditions. Advanced modeling of protein sequence and biophysical properties (such as structural, functional, and spatial information, amino acid conservation, physicochemical variation, residue mobility, and thermodynamic stability) performed at Invitae indicates that this missense variant is not expected to disrupt NF1 protein function. In summary, the available evidence is currently insufficient to determine the role of this variant in disease. Therefore, it has been classified as a Variant of Uncertain Significance.